The following is an entry in ClinVar:

ClinVar aggregate classification (germline): Uncertain significance (1 of 4 stars; one submission).

Conditions:
Neurofibromatosis, type 1 (NF1). Also called: Neurofibromatosis, type I; VON RECKLINGHAUSEN DISEASE; Peripheral type neurofibromatosis; NEUROFIBROMATOSIS, TYPE I, SOMATIC. Identifiers: Orphanet 636, MedGen C0027831, MONDO:0018975, OMIM 162200. Disease mechanism: loss of function.

Submission:

Labcorp Genetics (formerly Invitae), Labcorp
Classification: Uncertain significance for Neurofibromatosis, type 1. Last evaluated: 2019-02-22. Review status: criteria provided, single submitter. Criteria: Invitae Variant Classification Sherloc (09022015). Collection method: clinical testing. Allele origin: germline.
Comment: In summary, the available evidence is currently insufficient to determine the role of this variant in disease. Therefore, it has been classified as a Variant of Uncertain Significance. Algorithms developed to predict the effect of missense changes on protein structure and function are either unavailable or do not agree on the potential impact of this missense change (SIFT: "Tolerated"; PolyPhen-2: "Probably Damaging"; Align-GVGD: "Class C0"). This variant has not been reported in the literature in individuals with NF1-related conditions. This variant is not present in population databases (ExAC no frequency). This sequence change replaces lysine with glutamic acid at codon 1567 of the NF1 protein (p.Lys1567Glu). The lysine residue is moderately conserved and there is a small physicochemical difference between lysine and glutamic acid.

NM_001042492.3(NF1):c.4762A>G (p.Lys1588Glu)

Gene: NF1 (neurofibromin 1; plus strand). Cytogenetic location: 17q11.2.
Variant type: single nucleotide variant.
Coding change: c.4762A>G on transcript NM_001042492.3 (MANE Select); coding-DNA position 4762, A replaced by G.
Protein change: p.Lys1588Glu; replaces lysine 1588 with glutamic acid.
Molecular consequence: missense variant.
Genome position (GRCh38, 1-based): chr17:31,265,266, A>G. VCF-style: chr17-31265266-A-G. GRCh37 (hg19) VCF-style: chr17-29592284-A-G.
Other names: c.4699A>G, p.Lys1567Glu (NM_000267.4); short protein forms K1588E, K1567E.
Identifiers: ClinVar variation 855939 (VCV000855939.6), dbSNP rs2067765422, ClinGen allele CA399001233.